The following is an entry in ClinVar:

NM_177438.3(DICER1):c.4680G>A (p.Ala1560=)

Gene: DICER1 (dicer 1, ribonuclease III; minus strand). Cytogenetic location: 14q32.13.
Variant type: single nucleotide variant.
Coding change: c.4680G>A on transcript NM_177438.3 (MANE Select); coding-DNA position 4680, G replaced by A.
Protein change: p.Ala1560=; no amino-acid change (alanine 1560 retained).
Molecular consequence: synonymous variant.
Genome position (GRCh38, 1-based): chr14:95,096,240, C>T on the plus strand (G>A on the coding strand, the complement: DICER1 is on the minus strand). VCF-style: chr14-95096240-C-T. GRCh37 (hg19) VCF-style: chr14-95562577-C-T.
Other names: p.Ala1560=; c.4680G>A, p.Ala1560= (NM_001195573.1, NM_001271282.3, NM_001291628.2 and 1 more transcripts).
Identifiers: ClinVar variation 261925 (VCV000261925.38), dbSNP rs61729797, ClinGen allele CA7330817.

ClinVar aggregate classification (germline): Benign. Review status: criteria provided, multiple submitters, no conflicts (2 of 4 stars). 14 submissions from 14 submitters: Benign (11). 3 of the submissions do not count toward it. Last evaluated 2026-04-20.

Conditions:
DICER1-related tumor predisposition. Also called: DICER1-related pleuropulmonary blastoma cancer predisposition syndrome; DICER1 syndrome. Identifiers: Orphanet 284343, MedGen C3839822, MONDO:0100216.
Hereditary cancer-predisposing syndrome. Also called: Hereditary neoplastic syndrome; Neoplastic Syndromes, Hereditary; Hereditary Cancer Syndrome; Tumor predisposition. Identifiers: Orphanet 140162, MedGen C0027672, MeSH D009386, MONDO:0015356.
Pleuropulmonary blastoma (PPB). Identifiers: Orphanet 64742, MedGen C1266144, MONDO:0011014, OMIM 601200, HP:0100528.

Allele frequency attached by ClinVar (database versions not stated): gnomAD 0.03386 and 0.03654; gnomAD exomes 0.00893 and 0.00328; ExAC 0.01091; 1000 Genomes Project 30x 0.03623; TOPMed 0.03816; ESP Exome Variant Server 0.03921; 1000 Genomes Project 0.03375.
gnomAD v4.1: 10,186 of 1,614,164 alleles (0.63%); highest among the groups gnomAD compares: African/African-American, 12%; 596 homozygotes.

Submissions (14):

Myriad Genetics, Inc.
Classification: Benign for DICER1-related tumor predisposition. Last evaluated: 2026-04-20. Review status: criteria provided, single submitter. Criteria: Myriad Autosomal Dominant, Autosomal Recessive and X-Linked Classification Criteria (2023). Collection method: clinical testing. Allele origin: unknown.
Comment: This variant is considered benign. This variant is a silent/synonymous amino acid change and it is not expected to impact splicing.

Labcorp Genetics (formerly Invitae), Labcorp
Classification: Benign for DICER1-related tumor predisposition. Last evaluated: 2026-02-04. Review status: criteria provided, single submitter. Criteria: Invitae Variant Classification Sherloc (09022015). Collection method: clinical testing. Allele origin: germline.

Quest Diagnostics Nichols Institute San Juan Capistrano
Classification: Benign. Last evaluated: 2025-06-12. Review status: criteria provided, single submitter. Criteria: Quest Diagnostics criteria. Collection method: clinical testing. Allele origin: unknown.

Center for Genomic Medicine, Rigshospitalet, Copenhagen University Hospital
Classification: Benign. Last evaluated: 2025-03-04. Review status: criteria provided, single submitter. Criteria: ACMG Guidelines, 2015. Collection method: clinical testing. Allele origin: germline.

KCCC/NGS Laboratory, Kuwait Cancer Control Center
Classification: Benign for Pleuropulmonary blastoma. Last evaluated: 2023-07-07. Review status: criteria provided, single submitter. Criteria: ACMG Guidelines, 2015. Collection method: clinical testing. Allele origin: germline. Affected: yes.

Mayo Clinic Laboratories, Mayo Clinic
Classification: Benign. Last evaluated: 2021-05-06. Review status: criteria provided, single submitter. Criteria: ACMG Guidelines, 2015. Collection method: clinical testing. Allele origin: germline. Observed: 12 variant alleles.

Illumina Laboratory Services, Illumina
Classification: Benign for Pleuropulmonary blastoma. Last evaluated: 2018-01-13. Review status: criteria provided, single submitter. Criteria: ICSL Variant Classification Criteria 13 December 2019. Collection method: clinical testing. Allele origin: germline.
Comment: This variant was observed in the ICSL laboratory as part of a predisposition screen in an ostensibly healthy population. It had not been previously curated by ICSL or reported in the Human Gene Mutation Database (HGMD: prior to June 1st, 2018), and was therefore a candidate for classification through an automated scoring system. Utilizing variant allele frequency, disease prevalence and penetrance estimates, and inheritance mode, an automated score was calculated to assess if this variant is too frequent to cause the disease. Based on the score and internal cut-off values, a variant classified as benign is not then subjected to further curation. The score for this variant resulted in a classification of benign for this disease.

PreventionGenetics, part of Exact Sciences
Classification: Benign. Last evaluated: 2017-02-13. Review status: criteria provided, single submitter. Criteria: ACMG Guidelines, 2015. Collection method: clinical testing. Allele origin: germline.

GeneDx
Classification: Benign. Last evaluated: 2016-06-16. Review status: criteria provided, single submitter. Criteria: GeneDx Variant Classification (06012015). Collection method: clinical testing. Allele origin: germline. Affected: yes.
Comment: This variant is considered likely benign or benign based on one or more of the following criteria: it is a conservative change, it occurs at a poorly conserved position in the protein, it is predicted to be benign by multiple in silico algorithms, and/or has population frequency not consistent with disease.

Ambry Genetics
Classification: Benign for Hereditary cancer-predisposing syndrome. Last evaluated: 2016-05-25. Review status: criteria provided, single submitter. Criteria: Ambry Variant Classification Scheme 2023. Collection method: clinical testing. Allele origin: germline.

Breakthrough Genomics
Classification: Benign. Review status: criteria provided, single submitter. Criteria: ACMG Guidelines, 2015. Collection method: not provided. Allele origin: germline. Inheritance: Autosomal dominant inheritance. Affected: yes.

Clinical Genetics DNA and cytogenetics Diagnostics Lab, Erasmus MC, Erasmus Medical Center
Classification: Benign. Review status: no assertion criteria provided. Collection method: clinical testing. Allele origin: germline. Affected: yes. Study: VKGL Data-share Consensus. Not counted in ClinVar's aggregate classification.

Genome Diagnostics Laboratory, Amsterdam University Medical Center
Classification: Benign. Review status: no assertion criteria provided. Collection method: clinical testing. Allele origin: germline. Affected: yes. Study: VKGL Data-share Consensus. Not counted in ClinVar's aggregate classification.

Joint Genome Diagnostic Labs from Nijmegen and Maastricht, Radboudumc and MUMC+
Classification: Benign. Review status: no assertion criteria provided. Collection method: clinical testing. Allele origin: germline. Affected: yes. Study: VKGL Data-share Consensus. Not counted in ClinVar's aggregate classification.